The following is an entry in ClinVar:

NM_201384.3(PLEC):c.11299G>A (p.Ala3767Thr)

Gene: PLEC (plectin; minus strand). Cytogenetic location: 8q24.3.
Variant type: single nucleotide variant.
Coding change: c.11299G>A on transcript NM_201384.3 (MANE Select); coding-DNA position 11299, G replaced by A.
Protein change: p.Ala3767Thr; replaces alanine 3767 with threonine.
Molecular consequence: missense variant.
Genome position (GRCh38, 1-based): chr8:143,918,522, C>T on the plus strand (G>A on the coding strand, the complement: PLEC is on the minus strand). VCF-style: chr8-143918522-C-T. GRCh37 (hg19) VCF-style: chr8-144992690-C-T.
Other names: c.11380G>A, p.Ala3794Thr (NM_000445.5); c.7999G>A, p.Ala2667Thr (NM_001410941.1); c.11257G>A, p.Ala3753Thr (NM_201378.4); c.11233G>A, p.Ala3745Thr (NM_201379.3); c.11710G>A, p.Ala3904Thr (NM_201380.4); c.11203G>A, p.Ala3735Thr (NM_201381.3); c.11299G>A, p.Ala3767Thr (NM_201382.4); c.11311G>A, p.Ala3771Thr (NM_201383.3); short protein forms A2667T, A3735T, A3745T, A3753T, A3767T, A3771T, A3794T, A3904T.
Identifiers: ClinVar variation 2434947 (VCV002434947.29), dbSNP rs782235531, ClinGen allele CA4924388.
Genomic context (GRCh38, chr8:143,918,522, plus strand): 5'-TCATGGCCTGGAAGAGCGAGATGGTCTGCTCGGTGTAGGGGTCACGGTAGCCGGTGACCG[C>T]CCGCTCAGCCGAGAGCAGGCGGTCGTGCAGCTCGGGCCCCACGAGGCCCTTCCGCACAGC-3'
Protein context (NP_958786.1, residues 3757-3777): LHDRLLSAER[Ala3767Thr]VTGYRDPYTE

ClinVar aggregate classification (germline): Uncertain significance. Review status: criteria provided, multiple submitters, no conflicts (2 of 4 stars). 3 submissions from 3 submitters: Uncertain significance (3). Last evaluated 2024-03-07.

Conditions:
Epidermolysis bullosa simplex with nail dystrophy (EBS5D). Identifiers: MedGen C4225309, MONDO:0014661, OMIM 616487.
Epidermolysis bullosa simplex, Ogna type (EBS5A). Also called: Pidermolysis bullosa simplex 5A, Ogna type; EPIDERMOLYSIS BULLOSA SIMPLEX 5A, OGNA TYPE. Identifiers: Orphanet 79401, MedGen C0432317, MONDO:0007555, OMIM 131950.
Autosomal recessive limb-girdle muscular dystrophy type 2Q (LGMDR17). Also called: MUSCULAR DYSTROPHY, LIMB-GIRDLE, AUTOSOMAL RECESSIVE 17. Identifiers: Orphanet 254361, MedGen C3150989, MONDO:0013390, OMIM 613723.
Epidermolysis bullosa simplex 5C, with pyloric atresia (EBS5C). Also called: Epidermolysis bullosa simplex with pyloric atresia; PLEC-Related Epidermolysis Bullosa with Pyloric Atresia; PLEC1-Related Epidermolysis Bullosa with Pyloric Atresia. Identifiers: Orphanet 158684, MedGen C2677349, MONDO:0012807, OMIM 612138.
Epidermolysis bullosa simplex 5B, with muscular dystrophy (EBS5B). Also called: EPIDERMOLYSIS BULLOSA SIMPLEX AND LIMB-GIRDLE MUSCULAR DYSTROPHY; Epidermolysis bullosa simplex with muscular dystrophy. Identifiers: Orphanet 257, MedGen C2931072, MONDO:0009181, OMIM 226670.

Allele frequency attached by ClinVar (database versions not stated): gnomAD 0.00001; TOPMed 0.00002; ExAC 0.00004; gnomAD exomes 0.00005.

Submissions (3):

Labcorp Genetics (formerly Invitae), Labcorp
Classification: Uncertain significance for Autosomal recessive limb-girdle muscular dystrophy type 2Q; Epidermolysis bullosa simplex, Ogna type; Epidermolysis bullosa simplex with nail dystrophy; Epidermolysis bullosa simplex 5C, with pyloric atresia; Epidermolysis bullosa simplex 5B, with muscular dystrophy. Last evaluated: 2024-03-07. Review status: criteria provided, single submitter. Criteria: Invitae Variant Classification Sherloc (09022015). Collection method: clinical testing. Allele origin: germline.
Comment: This sequence change replaces alanine, which is neutral and non-polar, with threonine, which is neutral and polar, at codon 3794 of the PLEC protein (p.Ala3794Thr). This variant is present in population databases (rs782235531, gnomAD 0.01%). This missense change has been observed in individual(s) with PLEC-related conditions (PMID: 27234031). ClinVar contains an entry for this variant (Variation ID: 2434947). An algorithm developed to predict the effect of missense changes on protein structure and function (PolyPhen-2) suggests that this variant is likely to be disruptive. In summary, the available evidence is currently insufficient to determine the role of this variant in disease. Therefore, it has been classified as a Variant of Uncertain Significance.

CeGaT Center for Human Genetics Tuebingen
Classification: Uncertain significance. Last evaluated: 2023-12-01. Review status: criteria provided, single submitter. Criteria: CeGaT Center For Human Genetics Tuebingen Variant Classification Criteria Version 2. Collection method: clinical testing. Allele origin: germline. Affected: yes. Observed: 1 variant allele.

Revvity Omics, Revvity
Classification: Uncertain significance. Last evaluated: 2020-12-28. Review status: criteria provided, single submitter. Criteria: ACMG Guidelines, 2015. Collection method: clinical testing. Allele origin: germline.

Literature cited by the submitters: PubMed 27234031 (cited by Labcorp Genetics (formerly Invitae), Labcorp).